The following is an entry in ClinVar:

NM_001267550.2(TTN):c.49377T>A (p.Pro16459=)

Genes: TTN (titin; minus strand), TTN-AS1 (TTN antisense RNA 1; plus strand). Cytogenetic location: 2q31.2.
Variant type: single nucleotide variant.
Coding change: c.49377T>A on transcript NM_001267550.2 (MANE Select); coding-DNA position 49377, T replaced by A.
Protein change: p.Pro16459=; no amino-acid change (proline 16459 retained).
Molecular consequence: synonymous variant.
Genome position (GRCh38, 1-based): chr2:178,613,906, A>T on the plus strand (T>A on the coding strand, the complement: TTN is on the minus strand). VCF-style: chr2-178613906-A-T. GRCh37 (hg19) VCF-style: chr2-179478633-A-T.
Other names: c.44454T>A, p.Pro14818= (NM_001256850.1); c.22182T>A, p.Pro7394= (NM_003319.4); c.41673T>A, p.Pro13891= (NM_133378.4); c.22557T>A, p.Pro7519= (NM_133432.3); c.22758T>A, p.Pro7586= (NM_133437.4).
Identifiers: ClinVar variation 467213 (VCV000467213.44), dbSNP rs564712731, ClinGen allele CA1994609.

ClinVar aggregate classification (germline): Likely benign. Review status: criteria provided, multiple submitters, no conflicts (2 of 4 stars). 3 submissions from 3 submitters: Likely benign (3). Last evaluated 2026-08-01.

Conditions:
Cardiovascular phenotype. Identifiers: MedGen CN230736.
Dilated cardiomyopathy 1G (CMD1G). Identifiers: Orphanet 154, MedGen C1858763, MONDO:0011400, OMIM 604145.
Autosomal recessive limb-girdle muscular dystrophy type 2J (LGMDR10). Also called: Limb-girdle muscular dystrophy, type 2J; MUSCULAR DYSTROPHY, LIMB-GIRDLE, AUTOSOMAL RECESSIVE 10. Identifiers: Orphanet 140922, MedGen C1837342, MONDO:0012127, OMIM 608807.

Allele frequency attached by ClinVar (database versions not stated): gnomAD exomes 0.00001 and 0.00004; ExAC 0.00003; gnomAD 0.00003; TOPMed 0.00006; 1000 Genomes Project 30x 0.00016; 1000 Genomes Project 0.00020.
gnomAD v4.1: 21 of 1,610,248 alleles (0.0013%); highest among the groups gnomAD compares: Admixed American, 0.025%; no homozygotes.

Submissions (3):

CeGaT Center for Human Genetics Tuebingen
Classification: Likely benign. Last evaluated: 2026-08-01. Review status: criteria provided, single submitter. Criteria: CeGaT Center For Human Genetics Tuebingen Variant Classification Criteria Version 2. Collection method: clinical testing. Allele origin: germline. Affected: yes. Observed: 4 variant alleles.
Comment: TTN: BP4, BP7

Labcorp Genetics (formerly Invitae), Labcorp
Classification: Likely benign for Dilated cardiomyopathy 1G; Autosomal recessive limb-girdle muscular dystrophy type 2J. Last evaluated: 2025-11-18. Review status: criteria provided, single submitter. Criteria: Invitae Variant Classification Sherloc (09022015). Collection method: clinical testing. Allele origin: germline.

Ambry Genetics
Classification: Likely benign for Cardiovascular phenotype. Last evaluated: 2024-01-31. Review status: criteria provided, single submitter. Criteria: Ambry Variant Classification Scheme 2023. Collection method: clinical testing. Allele origin: germline.